The following is an entry in ClinVar:

NM_001048174.2(MUTYH):c.375G>C (p.Met125Ile)

Gene: MUTYH (mutY DNA glycosylase; minus strand). Cytogenetic location: 1p34.1.
Variant type: single nucleotide variant.
Coding change: c.375G>C on transcript NM_001048174.2 (MANE Select); coding-DNA position 375, G replaced by C.
Protein change: p.Met125Ile; replaces methionine 125 with isoleucine.
Molecular consequence: missense variant. On other transcripts: non-coding transcript variant (6), intron variant (3).
Genome position (GRCh38, 1-based): chr1:45,333,100, C>G on the plus strand (G>C on the coding strand, the complement: MUTYH is on the minus strand). VCF-style: chr1-45333100-C-G. GRCh37 (hg19) VCF-style: chr1-45798772-C-G.
Other names: c.375G>C, p.Met125Ile (NM_001048171.2, NM_001048173.2, NM_001407080.1 and 6 more transcripts); c.378G>C, p.Met126Ile (NM_001048172.2, NM_001407078.1, NM_001407079.1 and 2 more transcripts); c.459G>C, p.Met153Ile (NM_001128425.2); c.420G>C, p.Met140Ile (NM_001293190.2); c.408G>C, p.Met136Ile (NM_001407077.1, NM_001293191.2); c.417G>C, p.Met139Ile (NM_001407083.1, NM_001407085.1, NM_001407073.1); c.396G>C, p.Met132Ile (NM_001407087.1); c.99G>C, p.Met33Ile (NM_001407091.1, NM_001293192.2, NM_001293196.2); and 3 more; short protein forms M139I, M33I, M126I, M136I, M140I, M153I, M97I, M125I.
Identifiers: ClinVar variation 4113670 (VCV004113670.1).
Genomic context (GRCh38, chr1:45,333,100, plus strand): 5'-TAGAGGCTCTCATCTGGGGTCTGACCCATGACCCTTCCCTTCCTCCCCTGGAGTCACCTG[C>G]ATCCATCCGGTATAGTAGTTGATCACAGTGGCAACCTGGGTCTGCTGCAGCATGACCTCT-3'
Protein context (NP_001041639.1, residues 115-135): ATVINYYTGW[Met125Ile]QKWPTLQDLA

ClinVar aggregate classification (germline): Uncertain significance (1 of 4 stars; one submission).

Conditions:
Hereditary cancer-predisposing syndrome. Also called: Hereditary neoplastic syndrome; Neoplastic Syndromes, Hereditary; Tumor predisposition; Hereditary Cancer Syndrome. Identifiers: Orphanet 140162, MedGen C0027672, MeSH D009386, MONDO:0015356.

Submission:

Ambry Genetics
Classification: Uncertain significance for Hereditary cancer-predisposing syndrome. Last evaluated: 2025-08-27. Review status: criteria provided, single submitter. Criteria: Ambry Variant Classification Scheme 2023. Collection method: clinical testing. Allele origin: germline.
Comment: The p.M153I variant (also known as c.459G>C), located in coding exon 5 of the MUTYH gene, results from a G to C substitution at nucleotide position 459. The methionine at codon 153 is replaced by isoleucine, an amino acid with highly similar properties. This amino acid position is conserved. In addition, this alteration is predicted to be deleterious by in silico analysis. Based on the available evidence, the clinical significance of this variant remains unclear.